The following is an entry in ClinVar:

ClinVar aggregate classification (germline): Uncertain significance. Review status: criteria provided, multiple submitters, no conflicts (2 of 4 stars). 2 submissions from 2 submitters: Uncertain significance (2). Last evaluated 2025-09-24.

Conditions:
Cardiovascular phenotype. Identifiers: MedGen CN230736.

Allele frequency attached by ClinVar (database versions not stated): gnomAD exomes 0.00001; TOPMed below 0.00001; gnomAD 0.00001.
gnomAD v4.1: 9 of 1,550,388 alleles (0.00058%); highest among the groups gnomAD compares: Non-Finnish European, 0.00078%; no homozygotes.

Submissions (2):

Women's Health and Genetics/Laboratory Corporation of America, LabCorp
Classification: Uncertain significance. Last evaluated: 2025-09-24. Review status: criteria provided, single submitter. Criteria: LabCorp Variant Classification Summary - May 2015. Collection method: clinical testing. Allele origin: germline.
Comment: Variant summary: ZNF469 c.8362G>C (p.Gly2788Arg) results in a non-conservative amino acid change in the encoded protein sequence. Algorithms developed to predict the effect of missense changes on protein structure and function are either unavailable or do not agree on the potential impact of this missense change. The variant was absent in 153764 control chromosomes. The available data on variant occurrences in the general population are insufficient to allow any conclusion about variant significance. To our knowledge, no occurrence of c.8362G>C in individuals affected with ZNF469-related conditions and no experimental evidence demonstrating its impact on protein function have been reported. ClinVar contains an entry for this variant (Variation ID: 3232863). Based on the evidence outlined above, the variant was classified as uncertain significance.

Ambry Genetics
Classification: Uncertain significance for Cardiovascular phenotype. Last evaluated: 2023-10-27. Review status: criteria provided, single submitter. Criteria: Ambry Variant Classification Scheme 2023. Collection method: clinical testing. Allele origin: germline.
Comment: The p.G2760R variant (also known as c.8278G>C), located in coding exon 2 of the ZNF469 gene, results from a G to C substitution at nucleotide position 8278. The glycine at codon 2760 is replaced by arginine, an amino acid with dissimilar properties. This amino acid position is conserved. In addition, this alteration is predicted to be tolerated by in silico analysis. Since supporting evidence is limited at this time, the clinical significance of this alteration remains unclear.

NM_001367624.2(ZNF469):c.8362G>C (p.Gly2788Arg)

Gene: ZNF469 (zinc finger protein 469; plus strand). Cytogenetic location: 16q24.2.
Variant type: single nucleotide variant.
Coding change: c.8362G>C on transcript NM_001367624.2 (MANE Select); coding-DNA position 8362, G replaced by C.
Protein change: p.Gly2788Arg; replaces glycine 2788 with arginine.
Molecular consequence: missense variant.
Genome position (GRCh38, 1-based): chr16:88,435,832, G>C. VCF-style: chr16-88435832-G-C. GRCh37 (hg19) VCF-style: chr16-88502240-G-C.
Other names: NM_001127464.1:c.8278G>C; short protein forms G2788R.
Identifiers: ClinVar variation 3232863 (VCV003232863.2), dbSNP rs896245801, ClinGen allele CA286383960.
Genomic context (GRCh38, chr16:88,435,832, plus strand): 5'-AAAGAGTCTGGGAGCGAGCCTGCGGAGGACAGCAGCAGGGCCCACAGCCGATCAGAGGAA[G>C]GTGTCTGGGAGGAGAACACGCCCCCCTTGGGCCCCCTGGGTTTTCCCGAGACTTCCAGCT-3'
Protein context (NP_001354553.1, residues 2778-2798): SSRAHSRSEE[Gly2788Arg]VWEENTPPLG